The following is an entry in ClinVar:

ClinVar aggregate classification (germline): Uncertain significance (1 of 4 stars; one submission).

Allele frequency attached by ClinVar (database versions not stated): gnomAD exomes below 0.00001 and 0.00001; ExAC 0.00001.
gnomAD v4.1: 13 of 1,613,710 alleles (0.00081%); highest among the groups gnomAD compares: Non-Finnish European, 0.0011%; no homozygotes.

Submission:

Labcorp Genetics (formerly Invitae), Labcorp
Classification: Uncertain significance. Last evaluated: 2024-09-06. Review status: criteria provided, single submitter. Criteria: Invitae Variant Classification Sherloc (09022015). Collection method: clinical testing. Allele origin: germline.
Comment: This sequence change replaces aspartic acid, which is acidic and polar, with valine, which is neutral and non-polar, at codon 2106 of the FRAS1 protein (p.Asp2106Val). This variant is present in population databases (rs760777103, gnomAD 0.003%). This variant has not been reported in the literature in individuals affected with FRAS1-related conditions. ClinVar contains an entry for this variant (Variation ID: 1512713). Invitae Evidence Modeling of protein sequence and biophysical properties (such as structural, functional, and spatial information, amino acid conservation, physicochemical variation, residue mobility, and thermodynamic stability) indicates that this missense variant is expected to disrupt FRAS1 protein function with a positive predictive value of 80%. In summary, the available evidence is currently insufficient to determine the role of this variant in disease. Therefore, it has been classified as a Variant of Uncertain Significance.

NM_025074.7(FRAS1):c.6317A>T (p.Asp2106Val)

Gene: FRAS1 (Fraser extracellular matrix complex subunit 1; plus strand). Cytogenetic location: 4q21.21.
Variant type: single nucleotide variant.
Coding change: c.6317A>T on transcript NM_025074.7 (MANE Select); coding-DNA position 6317, A replaced by T.
Protein change: p.Asp2106Val; replaces aspartic acid 2106 with valine.
Molecular consequence: missense variant.
Genome position (GRCh38, 1-based): chr4:78,450,193, A>T. VCF-style: chr4-78450193-A-T. GRCh37 (hg19) VCF-style: chr4-79371347-A-T.
Other names: short protein forms D2106V.
Identifiers: ClinVar variation 1512713 (VCV001512713.5), dbSNP rs760777103, ClinGen allele CA2977749.
Genomic context (GRCh38, chr4:78,450,193, plus strand): 5'-CTTCCGTTCTCTTCCAAGGGTCTGTAGCACGCATCACAGAACAGCACTTGAAAGTGACAG[A>T]TATTGACTCAGATGACCATCAGGTTATGTACATCATGAAGGAAGATCCTGGTGCAGGGCG-3'
Protein context (NP_079350.5, residues 2096-2116): RITEQHLKVT[Asp2106Val]IDSDDHQVMY